The following is an entry in ClinVar:

NM_020778.5(ALPK3):c.431A>G (p.Glu144Gly)

Gene: ALPK3 (alpha kinase 3; plus strand). Cytogenetic location: 15q25.3.
Variant type: single nucleotide variant.
Coding change: c.431A>G on transcript NM_020778.5 (MANE Select); coding-DNA position 431, A replaced by G.
Protein change: p.Glu144Gly; replaces glutamic acid 144 with glycine.
Molecular consequence: missense variant.
Genome position (GRCh38, 1-based): chr15:84,839,710, A>G. VCF-style: chr15-84839710-A-G. GRCh37 (hg19) VCF-style: chr15-85382941-A-G.
Other names: short protein forms E144G.
Identifiers: ClinVar variation 2132277 (VCV002132277.4), dbSNP rs2505704741, ClinGen allele CA393372454.
Genomic context (GRCh38, chr15:84,839,710, plus strand): 5'-GGCTCTCACCTCCCAGGAGGGGAGAGGTGGCACCTCCCGCTCCTACCTCTAGGTGTCGAG[A>G]AGAAGATGCCGCCATCTACCAGGCCTCTGCCCAGAACAGCAAGGGCATTGTGTCCTGCTC-3'
Protein context (NP_065829.4, residues 134-154): RHTLQLYRCR[Glu144Gly]EDAAIYQASA

ClinVar aggregate classification (germline): Uncertain significance (1 of 4 stars; one submission).

Submission:

Labcorp Genetics (formerly Invitae), Labcorp
Classification: Uncertain significance. Last evaluated: 2022-08-03. Review status: criteria provided, single submitter. Criteria: Invitae Variant Classification Sherloc (09022015). Collection method: clinical testing. Allele origin: germline.
Comment: This sequence change replaces glutamic acid, which is acidic and polar, with glycine, which is neutral and non-polar, at codon 346 of the ALPK3 protein (p.Glu346Gly). This variant is not present in population databases (gnomAD no frequency). This variant has not been reported in the literature in individuals affected with ALPK3-related conditions. Algorithms developed to predict the effect of missense changes on protein structure and function are either unavailable or do not agree on the potential impact of this missense change (SIFT: "Deleterious"; PolyPhen-2: "Probably Damaging"; Align-GVGD: "Class C0"). In summary, the available evidence is currently insufficient to determine the role of this variant in disease. Therefore, it has been classified as a Variant of Uncertain Significance.